The following is an entry in ClinVar:

NM_005996.4(TBX3):c.658-253G>A

Gene: TBX3 (T-box transcription factor 3; minus strand). Cytogenetic location: 12q24.21.
Variant type: single nucleotide variant.
Coding change: c.658-253G>A on transcript NM_005996.4 (MANE Select); 253 bases into the intron before coding-DNA position 658, G replaced by A.
Molecular consequence: intron variant.
Genome position (GRCh38, 1-based): chr12:114,679,904, C>T on the plus strand (G>A on the coding strand, the complement: TBX3 is on the minus strand). VCF-style: chr12-114679904-C-T. GRCh37 (hg19) VCF-style: chr12-115117709-C-T.
Other names: c.717+9G>A (NM_016569.4).
Identifiers: ClinVar variation 3354669 (VCV003354669.1).

ClinVar aggregate classification (germline): Likely benign (0 of 4 stars; one submission).

Conditions:
TBX3-related disorder. Also called: TBX3-related condition.

Submission:

PreventionGenetics, part of Exact Sciences
Classification: Likely benign for TBX3-related condition. Last evaluated: 2022-01-19. Review status: no assertion criteria provided. Collection method: clinical testing. Allele origin: germline.
Comment: This variant is classified as likely benign based on ACMG/AMP sequence variant interpretation guidelines (Richards et al. 2015 PMID: 25741868, with internal and published modifications).